The following is an entry in ClinVar:

ClinVar aggregate classification (germline): Likely benign. Review status: criteria provided, multiple submitters, no conflicts (2 of 4 stars). 2 submissions from 2 submitters: Likely benign (2). Last evaluated 2026-01-19.

Conditions:
NPHP4-related disorder. Also called: NPHP4-related disorders; NPHP4-related condition. Identifiers: MedGen CN239384.
Nephronophthisis. Also called: Juvenile Nephronophthisis. Identifiers: Orphanet 655, MedGen C0687120, MONDO:0019005, HP:0000090.

Allele frequency attached by ClinVar (database versions not stated): gnomAD exomes below 0.00001 and 0.00001; gnomAD 0.00001.
gnomAD v4.1: 6 of 1,613,122 alleles (0.00037%); highest among the groups gnomAD compares: Non-Finnish European, 0.00051%; no homozygotes.

Submissions (2):

Labcorp Genetics (formerly Invitae), Labcorp
Classification: Likely benign for Nephronophthisis. Last evaluated: 2026-01-19. Review status: criteria provided, single submitter. Criteria: Invitae Variant Classification Sherloc (09022015). Collection method: clinical testing. Allele origin: germline.

PreventionGenetics, part of Exact Sciences
Classification: Likely benign for NPHP4-related condition. Last evaluated: 2025-05-07. Review status: criteria provided, single submitter. Criteria: ACMG Guidelines, 2015. Collection method: clinical testing. Allele origin: germline.
Comment: This variant is classified as likely benign based on ACMG/AMP sequence variant interpretation guidelines (Richards et al. 2015 PMID: 25741868, with internal and published modifications).

NM_015102.5(NPHP4):c.894G>A (p.Val298=)

Gene: NPHP4 (nephrocystin 4; minus strand). Cytogenetic location: 1p36.31.
Variant type: single nucleotide variant.
Coding change: c.894G>A on transcript NM_015102.5 (MANE Select); coding-DNA position 894, G replaced by A.
Protein change: p.Val298=; no amino-acid change (valine 298 retained).
Molecular consequence: synonymous variant. On other transcripts: 5 prime UTR variant (2), non-coding transcript variant (1).
Genome position (GRCh38, 1-based): chr1:5,948,168, C>T on the plus strand (G>A on the coding strand, the complement: NPHP4 is on the minus strand). VCF-style: chr1-5948168-C-T. GRCh37 (hg19) VCF-style: chr1-6008228-C-T.
Other names: c.-473G>A (NM_001291593.2, NM_001291594.2); c.894G>A (NM_015102.4).
Identifiers: ClinVar variation 1082684 (VCV001082684.10), dbSNP rs964392787, ClinGen allele CA17156962.